The following is an entry in ClinVar:

NM_004560.4(ROR2):c.1741C>T (p.Arg581Cys)

Gene: ROR2 (receptor tyrosine kinase like orphan receptor 2; minus strand). Cytogenetic location: 9q22.31.
Variant type: single nucleotide variant.
Coding change: c.1741C>T on transcript NM_004560.4 (MANE Select); coding-DNA position 1741, C replaced by T.
Protein change: p.Arg581Cys; replaces arginine 581 with cysteine.
Molecular consequence: missense variant.
Genome position (GRCh38, 1-based): chr9:91,724,753, G>A on the plus strand (C>T on the coding strand, the complement: ROR2 is on the minus strand). VCF-style: chr9-91724753-G-A. GRCh37 (hg19) VCF-style: chr9-94487035-G-A.
Other names: short protein forms R581C.
Identifiers: ClinVar variation 3597740 (VCV003597740.2).

ClinVar aggregate classification (germline): Uncertain significance. Review status: criteria provided, multiple submitters, no conflicts (2 of 4 stars). 2 submissions from 2 submitters: Uncertain significance (2). Last evaluated 2025-11-27.

Conditions:
Autosomal recessive Robinow syndrome (RRS1). Also called: COSTOVERTEBRAL SEGMENTATION DEFECT WITH MESOMELIA; COVESDEM SYNDROME; ROR2-Related Robinow Syndrome; ROBINOW SYNDROME, AUTOSOMAL RECESSIVE 1. Identifiers: Orphanet 1507, Orphanet 97360, MedGen C5399974, MONDO:0009999, OMIM 268310.
Brachydactyly type B1 (BDB1). Identifiers: Orphanet 572385, Orphanet 93383, MedGen C1862112, MONDO:0007220, OMIM 113000.

gnomAD v4.1: 13 of 1,613,870 alleles (0.00081%); highest among the groups gnomAD compares: Middle Eastern, 0.016%; no homozygotes.

Submissions (2):

Labcorp Genetics (formerly Invitae), Labcorp
Classification: Uncertain significance. Last evaluated: 2025-11-27. Review status: criteria provided, single submitter. Criteria: Invitae Variant Classification Sherloc (09022015). Collection method: clinical testing. Allele origin: germline.
Comment: This sequence change replaces arginine, which is basic and polar, with cysteine, which is neutral and slightly polar, at codon 581 of the ROR2 protein (p.Arg581Cys). The frequency data for this variant in the population databases is considered unreliable, as metrics indicate poor data quality at this position in the gnomAD database. This variant has not been reported in the literature in individuals affected with ROR2-related conditions. ClinVar contains an entry for this variant (Variation ID: 3597740). Invitae Evidence Modeling of protein sequence and biophysical properties (such as structural, functional, and spatial information, amino acid conservation, physicochemical variation, residue mobility, and thermodynamic stability) indicates that this missense variant is not expected to disrupt ROR2 protein function with a negative predictive value of 80%. In summary, the available evidence is currently insufficient to determine the role of this variant in disease. Therefore, it has been classified as a Variant of Uncertain Significance.

Fulgent Genetics
Classification: Uncertain significance for Brachydactyly type B1; Autosomal recessive Robinow syndrome. Last evaluated: 2024-02-26. Review status: criteria provided, single submitter. Criteria: ACMG Guidelines, 2015. Collection method: clinical testing. Allele origin: germline.